The following is an entry in ClinVar:

ClinVar aggregate classification (germline): Uncertain significance (1 of 4 stars; one submission).

Conditions:
Ataxia-telangiectasia syndrome (AT). Also called: Ataxia-telangiectasia, complementation group E; Ataxia telangiectasia (A-T); LOUIS-BAR SYNDROME; ATAXIA-TELANGIECTASIA, COMPLEMENTATION GROUP A; ATAXIA-TELANGIECTASIA, FRESNO VARIANT; Ataxia-telangiectasia, complementation group D. Identifiers: Orphanet 100, MedGen C0004135, MONDO:0008840, OMIM 208900.

Submission:

Labcorp Genetics (formerly Invitae), Labcorp
Classification: Uncertain significance for Ataxia-telangiectasia syndrome. Last evaluated: 2024-01-11. Review status: criteria provided, single submitter. Criteria: Invitae Variant Classification Sherloc (09022015). Collection method: clinical testing. Allele origin: germline.
Comment: This sequence change replaces valine, which is neutral and non-polar, with isoleucine, which is neutral and non-polar, at codon 648 of the ATM protein (p.Val648Ile). This variant is not present in population databases (gnomAD no frequency). This variant has not been reported in the literature in individuals affected with ATM-related conditions. Algorithms developed to predict the effect of missense changes on protein structure and function output the following: SIFT: "Not Available"; PolyPhen-2: "Benign"; Align-GVGD: "Not Available". The isoleucine amino acid residue is found in multiple mammalian species, which suggests that this missense change does not adversely affect protein function. Algorithms developed to predict the effect of sequence changes on RNA splicing suggest that this variant may create or strengthen a splice site. In summary, the available evidence is currently insufficient to determine the role of this variant in disease. Therefore, it has been classified as a Variant of Uncertain Significance.

NM_000051.4(ATM):c.1942G>A (p.Val648Ile)

Gene: ATM (ATM serine/threonine kinase; plus strand). Cytogenetic location: 11q22.3.
Variant type: single nucleotide variant.
Coding change: c.1942G>A on transcript NM_000051.4 (MANE Select); coding-DNA position 1942, G replaced by A.
Protein change: p.Val648Ile; replaces valine 648 with isoleucine.
Molecular consequence: missense variant.
Genome position (GRCh38, 1-based): chr11:108,253,857, G>A. VCF-style: chr11-108253857-G-A. GRCh37 (hg19) VCF-style: chr11-108124584-G-A.
Other names: c.1942G>A, p.Val648Ile (NM_001351834.2); short protein forms V648I.
Identifiers: ClinVar variation 2871070 (VCV002871070.3), dbSNP rs2135366901, ClinGen allele CA382536630.